The following is an entry in ClinVar:

ClinVar aggregate classification (germline): Likely benign (1 of 4 stars; one submission).

Allele frequency attached by ClinVar (database versions not stated): TOPMed 0.00082; gnomAD 0.00083.
gnomAD v4.1: 128 of 152,198 alleles (0.084%); highest among the groups gnomAD compares: Non-Finnish European, 0.019%; 4 homozygotes.

Submission:

CeGaT Center for Human Genetics Tuebingen
Classification: Likely benign. Last evaluated: 2024-01-01. Review status: criteria provided, single submitter. Criteria: CeGaT Center For Human Genetics Tuebingen Variant Classification Criteria Version 2. Collection method: clinical testing. Allele origin: germline. Affected: yes. Observed: 4 variant alleles.
Comment: BRAF: BS1

NM_004333.6(BRAF):c.981-2805G>C

Gene: BRAF (B-Raf proto-oncogene, serine/threonine kinase; minus strand). Cytogenetic location: 7q34.
Variant type: single nucleotide variant.
Coding change: c.981-2805G>C on transcript NM_004333.6 (MANE Select); 2805 bases into the intron before coding-DNA position 981, G replaced by C.
Molecular consequence: intron variant.
Genome position (GRCh38, 1-based): chr7:140,797,272, C>G on the plus strand (G>C on the coding strand, the complement: BRAF is on the minus strand). VCF-style: chr7-140797272-C-G. GRCh37 (hg19) VCF-style: chr7-140497072-C-G.
Other names: c.981-2805G>C (NM_001378474.1, NM_001378471.1, NM_001378468.1 and 4 more transcripts); c.879-2805G>C (NM_001378470.1); c.717-2805G>C (NM_001378475.1); c.990-2805G>C (NM_001378467.1); c.825-2805G>C (NM_001378472.1, NM_001378473.1).
Identifiers: ClinVar variation 2658077 (VCV002658077.24), dbSNP rs760055517, ClinGen allele CA168103136.